The following is an entry in ClinVar:

NM_205836.3(FBXO38):c.2176G>A (p.Asp726Asn)

Gene: FBXO38 (F-box protein 38; plus strand). Cytogenetic location: 5q32.
Variant type: single nucleotide variant.
Coding change: c.2176G>A on transcript NM_205836.3 (MANE Select); coding-DNA position 2176, G replaced by A.
Protein change: p.Asp726Asn; replaces aspartic acid 726 with asparagine.
Molecular consequence: missense variant. On other transcripts: intron variant (1).
Genome position (GRCh38, 1-based): chr5:148,427,470, G>A. VCF-style: chr5-148427470-G-A. GRCh37 (hg19) VCF-style: chr5-147807033-G-A.
Other names: c.2176G>A, p.Asp726Asn (NM_030793.5); c.1918+1769G>A (NM_001271723.2); short protein forms D726N.
Identifiers: ClinVar variation 541023 (VCV000541023.11), dbSNP rs548894296, ClinGen allele CA3497457.

ClinVar aggregate classification (germline): Uncertain significance (1 of 4 stars; one submission).

Conditions:
Distal hereditary motor neuropathy type 2. Identifiers: Orphanet 139525, MedGen C3711384, MeSH C580044, MONDO:0015352.

Allele frequency attached by ClinVar (database versions not stated): gnomAD exomes 0.00004 and 0.00006; ExAC 0.00006; gnomAD 0.00008; TOPMed 0.00009; 1000 Genomes Project 30x 0.00016; 1000 Genomes Project 0.00020.
gnomAD v4.1: 77 of 1,614,202 alleles (0.0048%); highest among the groups gnomAD compares: East Asian, 0.016%; no homozygotes.

Submission:

Labcorp Genetics (formerly Invitae), Labcorp
Classification: Uncertain significance for Distal hereditary motor neuropathy type 2. Last evaluated: 2024-04-08. Review status: criteria provided, single submitter. Criteria: Invitae Variant Classification Sherloc (09022015). Collection method: clinical testing. Allele origin: germline.
Comment: This sequence change replaces aspartic acid, which is acidic and polar, with asparagine, which is neutral and polar, at codon 726 of the FBXO38 protein (p.Asp726Asn). This variant is present in population databases (rs548894296, gnomAD 0.03%). This variant has not been reported in the literature in individuals affected with FBXO38-related conditions. ClinVar contains an entry for this variant (Variation ID: 541023). Advanced modeling of protein sequence and biophysical properties (such as structural, functional, and spatial information, amino acid conservation, physicochemical variation, residue mobility, and thermodynamic stability) performed at Invitae indicates that this missense variant is not expected to disrupt FBXO38 protein function with a negative predictive value of 80%. In summary, the available evidence is currently insufficient to determine the role of this variant in disease. Therefore, it has been classified as a Variant of Uncertain Significance.